The following is an entry in ClinVar:

ClinVar aggregate classification (germline): Uncertain significance (1 of 4 stars; one submission).

Conditions:
Ornithine aminotransferase deficiency (GACR). Also called: HYPERORNITHINEMIA WITH GYRATE ATROPHY OF CHOROID AND RETINA; OAT DEFICIENCY; OKT DEFICIENCY; Ornithine ketoacid aminotransferase deficiency; Gyrate atrophy; Gyrate atrophy of choroid and retina. Identifiers: Orphanet 414, MedGen C0018425, MONDO:0009796, OMIM 258870.

Submission:

Labcorp Genetics (formerly Invitae), Labcorp
Classification: Uncertain significance for Gyrate atrophy. Last evaluated: 2018-11-02. Review status: criteria provided, single submitter. Criteria: Invitae Variant Classification Sherloc (09022015). Collection method: clinical testing. Allele origin: germline.
Comment: This variant results in a copy number gain of the genomic region encompassing the full coding sequence of the OAT gene. The boundaries of this event are unknown as they extend beyond the assayed region for this gene and therefore may encompass additional genes. As the precise location of this event is unknown, it may be in tandem or it may be located elsewhere in the genome. This variant has not been reported in the literature in individuals with OAT-related disease. In summary, the available evidence is currently insufficient to determine the role of this variant in disease. Therefore, it has been classified as a Variant of Uncertain Significance.

NC_000010.10:g.(?_126086491)_(126100760_?)dup

Genes: OAT (ornithine aminotransferase; minus strand), LOC121815974 (Sharpr-MPRA regulatory region 15365; plus strand). Cytogenetic location: 10q26.13.
Variant type: Duplication.
Identifiers: ClinVar variation 653512 (VCV000653512.1).